The following is an entry in ClinVar:

NM_000540.3(RYR1):c.12174C>G (p.Leu4058=)

Gene: RYR1 (ryanodine receptor 1; plus strand). Cytogenetic location: 19q13.2.
Variant type: single nucleotide variant.
Coding change: c.12174C>G on transcript NM_000540.3 (MANE Select); coding-DNA position 12174, C replaced by G.
Protein change: p.Leu4058=; no amino-acid change (leucine 4058 retained).
Molecular consequence: synonymous variant.
Genome position (GRCh38, 1-based): chr19:38,548,312, C>G. VCF-style: chr19-38548312-C-G. GRCh37 (hg19) VCF-style: chr19-39038952-C-G.
Other names: c.12159C>G, p.Leu4053= (NM_001042723.2).
Identifiers: ClinVar variation 2137425 (VCV002137425.5), dbSNP rs1269071633, ClinGen allele CA507243234.

ClinVar aggregate classification (germline): Likely benign. Review status: criteria provided, multiple submitters, no conflicts (2 of 4 stars). 2 submissions from 2 submitters: Likely benign (2). Last evaluated 2023-05-16.

Conditions:
RYR1-related disorder. Also called: RYR1-related condition; RYR1-related disorders. Identifiers: MedGen CN239331.
Malignant hyperthermia, susceptibility to, 1 (MHS1). Also called: RYR1-Related Malignant Hyperthermia Susceptibility; Malignant hyperthermia suceptibility 1; Anesthesia related hyperthermia; Malignant hyperpyrexia; Fulminating hyperpyrexia; Pharmacogenic myopathy. Identifiers: Orphanet 423, MedGen C2930980, MONDO:0007783, OMIM 145600.

Allele frequency attached by ClinVar (database versions not stated): gnomAD exomes below 0.00001.
gnomAD v4.1: 1 of 1,614,230 alleles (0.000062%); highest among the groups gnomAD compares: Admixed American, 0.0017%; no homozygotes.

Submissions (2):

All of Us Research Program, National Institutes of Health
Classification: Likely benign for Malignant hyperthermia, susceptibility to, 1. Last evaluated: 2023-05-16. Review status: criteria provided, single submitter. Criteria: ACMG Guidelines, 2015. Collection method: clinical testing. Allele origin: germline. Inheritance: Autosomal dominant inheritance. Observed: 2 variant alleles, 2 heterozygotes.
Comment: This study involves interpretation of variants in research participants for the purpose of population health screening. Participant phenotype was not available at the time of variant classification. Additional details can be found in publication PMID: 35346344, PMCID: PMC8962531

Labcorp Genetics (formerly Invitae), Labcorp
Classification: Likely benign for RYR1-related disorder. Last evaluated: 2022-04-18. Review status: criteria provided, single submitter. Criteria: Invitae Variant Classification Sherloc (09022015). Collection method: clinical testing. Allele origin: germline.